The following is an entry in ClinVar:

ClinVar aggregate classification (germline): Benign/Likely benign. Review status: criteria provided, multiple submitters, no conflicts (2 of 4 stars). 2 submissions from 2 submitters: Benign (1); Likely benign (1). Last evaluated 2024-09-10.

Conditions:
Fanconi anemia complementation group J. Also called: BRIP1-Related Fanconi Anemia. Identifiers: Orphanet 84, MedGen C1836860, MONDO:0012187, OMIM 609054.
Familial cancer of breast. Also called: hereditary breast carcinoma; Hereditary breast cancer; BREAST CANCER, FAMILIAL. Identifiers: Orphanet 227535, MedGen C0346153, MONDO:0016419, OMIM 114480. Disease mechanism: loss of function.

Submissions (2):

Myriad Genetics, Inc.
Classification: Benign for Familial cancer of breast. Last evaluated: 2024-09-10. Review status: criteria provided, single submitter. Criteria: Myriad Autosomal Dominant, Autosomal Recessive and X-Linked Classification Criteria (2023). Collection method: clinical testing. Allele origin: unknown.
Comment: This variant is considered benign. This variant is a silent/synonymous amino acid change and it is not expected to impact splicing.

Labcorp Genetics (formerly Invitae), Labcorp
Classification: Likely benign for Familial cancer of breast; Fanconi anemia complementation group J. Last evaluated: 2020-10-06. Review status: criteria provided, single submitter. Criteria: Invitae Variant Classification Sherloc (09022015). Collection method: clinical testing. Allele origin: germline.

NM_032043.3(BRIP1):c.3717C>A (p.Ser1239=)

Gene: BRIP1 (BRCA1 interacting DNA helicase 1; minus strand). Cytogenetic location: 17q23.2.
Variant type: single nucleotide variant.
Coding change: c.3717C>A on transcript NM_032043.3 (MANE Select); coding-DNA position 3717, C replaced by A.
Protein change: p.Ser1239=; no amino-acid change (serine 1239 retained).
Molecular consequence: synonymous variant.
Genome position (GRCh38, 1-based): chr17:61,683,329, G>T on the plus strand (C>A on the coding strand, the complement: BRIP1 is on the minus strand). VCF-style: chr17-61683329-G-T. GRCh37 (hg19) VCF-style: chr17-59760690-G-T.
Identifiers: ClinVar variation 1156969 (VCV001156969.11), dbSNP rs758809865, ClinGen allele CA501335077.
Genomic context (GRCh38, chr17:61,683,329, plus strand): 5'-TTTACTTAGCTTGAGAGTTAAGTATTATTACTTAAAACCAGGAAACATGCCTTTATTTTT[G>T]GAAGGAGATGGTTTAAAGTTCTTTATTTCTATTTCATGAGTTTTTCCCAGTTCCAGTTCA-3'
Protein context (NP_114432.2, residues 1229-1249): IEIKNFKPSP[Ser1239=]KNKGMFPGFK